The following is an entry in ClinVar:

NM_000388.4(CASR):c.2339C>T (p.Thr780Ile)

Gene: CASR (calcium sensing receptor; plus strand). Cytogenetic location: 3q21.1.
Variant type: single nucleotide variant.
Coding change: c.2339C>T on transcript NM_000388.4 (MANE Select); coding-DNA position 2339, C replaced by T.
Protein change: p.Thr780Ile; replaces threonine 780 with isoleucine.
Molecular consequence: missense variant.
Genome position (GRCh38, 1-based): chr3:122,284,293, C>T. VCF-style: chr3-122284293-C-T. GRCh37 (hg19) VCF-style: chr3-122003140-C-T.
Other names: c.2369C>T, p.Thr790Ile (NM_001178065.2); short protein forms T780I, T790I.
Identifiers: ClinVar variation 864148 (VCV000864148.12), dbSNP rs754332943, ClinGen allele CA2569818.
Genomic context (GRCh38, chr3:122,284,293, plus strand): 5'-TCATCTTCATCACGTGCCACGAGGGCTCCCTCATGGCCCTGGGCTTCCTGATCGGCTACA[C>T]CTGCCTGCTGGCTGCCATCTGCTTCTTCTTTGCCTTCAAGTCCCGGAAGCTGCCGGAGAA-3'
Protein context (NP_000379.3, residues 770-790): LMALGFLIGY[Thr780Ile]CLLAAICFFF

ClinVar aggregate classification (germline): Uncertain significance. Review status: criteria provided, multiple submitters, no conflicts (2 of 4 stars). 3 submissions from 3 submitters: Uncertain significance (3). Last evaluated 2024-11-07.

Conditions:
Familial hypocalciuric hypercalcemia (FHH). Also called: Familial benign hypercalcemia. Identifiers: Orphanet 405, MedGen C1809471, MONDO:0018458.
Autosomal dominant hypocalcemia 1 (HYPOC1). Also called: HYPOCALCEMIA, FAMILIAL. Identifiers: MedGen C3715128, MONDO:0011013, OMIM 601198.
Familial hypocalciuric hypercalcemia 1. Also called: Hypercalcemia, familial benign type 1. Identifiers: Orphanet 405, Orphanet 93372, MedGen C0342637, MONDO:0007791, OMIM 145980.
Neonatal severe primary hyperparathyroidism. Identifiers: Orphanet 417, MedGen C1832615, MONDO:0009397, OMIM 239200.
Epilepsy, idiopathic generalized, susceptibility to, 8. Identifiers: MedGen C2752062, MONDO:0013032, OMIM 612899.
Nephrolithiasis/nephrocalcinosis. Identifiers: MedGen CN580796.

Allele frequency attached by ClinVar (database versions not stated): gnomAD exomes below 0.00001; ExAC 0.00001.
gnomAD v4.1: 1 of 1,614,164 alleles (0.000062%); highest among the groups gnomAD compares: South Asian, 0.0011%; no homozygotes.

Submissions (3):

Labcorp Genetics (formerly Invitae), Labcorp
Classification: Uncertain significance for Familial hypocalciuric hypercalcemia; Autosomal dominant hypocalcemia 1. Last evaluated: 2024-11-07. Review status: criteria provided, single submitter. Criteria: Invitae Variant Classification Sherloc (09022015). Collection method: clinical testing. Allele origin: germline.
Comment: This sequence change replaces threonine, which is neutral and polar, with isoleucine, which is neutral and non-polar, at codon 780 of the CASR protein (p.Thr780Ile). This variant is present in population databases (rs754332943, gnomAD 0.003%). This variant has not been reported in the literature in individuals affected with CASR-related conditions. ClinVar contains an entry for this variant (Variation ID: 864148). An algorithm developed to predict the effect of missense changes on protein structure and function (PolyPhen-2) suggests that this variant is likely to be disruptive. In summary, the available evidence is currently insufficient to determine the role of this variant in disease. Therefore, it has been classified as a Variant of Uncertain Significance.

Ambry Genetics
Classification: Uncertain significance for Nephrolithiasis/nephrocalcinosis. Last evaluated: 2023-11-11. Review status: criteria provided, single submitter. Criteria: Ambry Variant Classification Scheme 2023. Collection method: clinical testing. Allele origin: germline.
Comment: The p.T780I variant (also known as c.2339C>T), located in coding exon 6 of the CASR gene, results from a C to T substitution at nucleotide position 2339. The threonine at codon 780 is replaced by isoleucine, an amino acid with similar properties. This amino acid position is conserved. In addition, this alteration is predicted to be deleterious by in silico analysis. Since supporting evidence is limited at this time, the clinical significance of this alteration remains unclear.

Fulgent Genetics
Classification: Uncertain significance for Familial hypocalciuric hypercalcemia 1; Neonatal severe primary hyperparathyroidism; Autosomal dominant hypocalcemia 1; Epilepsy, idiopathic generalized, susceptibility to, 8. Last evaluated: 2022-01-09. Review status: criteria provided, single submitter. Criteria: ACMG Guidelines, 2015. Collection method: clinical testing. Allele origin: unknown.